The following is an entry in ClinVar:

NM_001128840.3(CACNA1D):c.3598T>C (p.Tyr1200His)

Gene: CACNA1D (calcium voltage-gated channel subunit alpha1 D; plus strand). Cytogenetic location: 3p21.1.
Variant type: single nucleotide variant.
Coding change: c.3598T>C on transcript NM_001128840.3 (MANE Select); coding-DNA position 3598, T replaced by C.
Protein change: p.Tyr1200His; replaces tyrosine 1200 with histidine.
Molecular consequence: missense variant.
Genome position (GRCh38, 1-based): chr3:53,751,830, T>C. VCF-style: chr3-53751830-T-C. GRCh37 (hg19) VCF-style: chr3-53785857-T-C.
Other names: c.3658T>C, p.Tyr1220His (NM_000720.4); c.3598T>C, p.Tyr1200His (NM_001128839.3); c.3658T>C (NM_000720.3); short protein forms Y1200H, Y1220H.
Identifiers: ClinVar variation 2808817 (VCV002808817.4), dbSNP rs2474010897, ClinGen allele CA353250678.

ClinVar aggregate classification (germline): Uncertain significance. Review status: criteria provided, multiple submitters, no conflicts (2 of 4 stars). 2 submissions from 2 submitters: Uncertain significance (2). Last evaluated 2026-02-13.

Conditions:
CACNA1D-related disorder.

Submissions (2):

PreventionGenetics, part of Exact Sciences
Classification: Uncertain significance for CACNA1D-related condition. Last evaluated: 2026-02-13. Review status: criteria provided, single submitter. Criteria: ACMG Guidelines, 2015. Collection method: clinical testing. Allele origin: germline.
Comment: The CACNA1D c.3658T>C variant is predicted to result in the amino acid substitution p.Tyr1220His. To our knowledge, this variant has not been reported in the literature or in a large population database (gnomAD), indicating this variant is rare. At this time, the clinical significance of this variant is uncertain due to the absence of conclusive functional and genetic evidence.

Labcorp Genetics (formerly Invitae), Labcorp
Classification: Uncertain significance. Last evaluated: 2022-10-27. Review status: criteria provided, single submitter. Criteria: Invitae Variant Classification Sherloc (09022015). Collection method: clinical testing. Allele origin: germline.
Comment: In summary, the available evidence is currently insufficient to determine the role of this variant in disease. Therefore, it has been classified as a Variant of Uncertain Significance. Algorithms developed to predict the effect of sequence changes on RNA splicing suggest that this variant may disrupt the consensus splice site. Advanced modeling of protein sequence and biophysical properties (such as structural, functional, and spatial information, amino acid conservation, physicochemical variation, residue mobility, and thermodynamic stability) performed at Invitae indicates that this missense variant is not expected to disrupt CACNA1D protein function. This variant has not been reported in the literature in individuals affected with CACNA1D-related conditions. This variant is not present in population databases (gnomAD no frequency). This sequence change replaces tyrosine, which is neutral and polar, with histidine, which is basic and polar, at codon 1220 of the CACNA1D protein (p.Tyr1220His).